The following is an entry in ClinVar:

NM_000222.3(KIT):c.2147A>G (p.Asp716Gly)

Gene: KIT (KIT proto-oncogene, receptor tyrosine kinase; plus strand). Cytogenetic location: 4q12.
Variant type: single nucleotide variant.
Coding change: c.2147A>G on transcript NM_000222.3 (MANE Select); coding-DNA position 2147, A replaced by G.
Protein change: p.Asp716Gly; replaces aspartic acid 716 with glycine.
Molecular consequence: missense variant.
Genome position (GRCh38, 1-based): chr4:54,731,333, A>G. VCF-style: chr4-54731333-A-G. GRCh37 (hg19) VCF-style: chr4-55597499-A-G.
Other names: c.2135A>G, p.Asp712Gly (NM_001093772.2, NM_001385292.1); c.2150A>G, p.Asp717Gly (NM_001385284.1); c.2144A>G, p.Asp715Gly (NM_001385285.1); c.2132A>G, p.Asp711Gly (NM_001385286.1); c.2138A>G, p.Asp713Gly (NM_001385288.1); c.2147A>G, p.Asp716Gly (NM_001385290.1); c.2147A>G (NM_000222.2); short protein forms D711G, D712G, D713G, D715G, D716G, D717G.
Identifiers: ClinVar variation 1006429 (VCV001006429.18), dbSNP rs1722582575, ClinGen allele CA356910080.

ClinVar aggregate classification (germline): Uncertain significance. Review status: criteria provided, multiple submitters, no conflicts (2 of 4 stars). 2 submissions from 2 submitters: Uncertain significance (2). Last evaluated 2025-05-31.

Conditions:
Hereditary cancer-predisposing syndrome. Also called: Neoplastic Syndromes, Hereditary; Hereditary Cancer Syndrome; Hereditary neoplastic syndrome; Tumor predisposition. Identifiers: Orphanet 140162, MedGen C0027672, MeSH D009386, MONDO:0015356.
Gastrointestinal stromal tumor. Also called: Gastrointestinal stromal tumor, somatic; Gastrointestinal stroma tumor. Identifiers: Orphanet 44890, MedGen C0238198, MeSH D046152, MONDO:0011719, OMIM 606764, HP:0100723.

Submissions (2):

Ambry Genetics
Classification: Uncertain significance for Hereditary cancer-predisposing syndrome. Last evaluated: 2025-05-31. Review status: criteria provided, single submitter. Criteria: Ambry Variant Classification Scheme 2023. Collection method: clinical testing. Allele origin: germline.
Comment: The p.D716G variant (also known as c.2147A>G), located in coding exon 15 of the KIT gene, results from an A to G substitution at nucleotide position 2147. The aspartic acid at codon 716 is replaced by glycine, an amino acid with similar properties. This amino acid position is conserved. In addition, the in silico prediction for this alteration is inconclusive. Based on the available evidence, the clinical significance of this variant remains unclear.

Labcorp Genetics (formerly Invitae), Labcorp
Classification: Uncertain significance for Gastrointestinal stromal tumor. Last evaluated: 2025-05-10. Review status: criteria provided, single submitter. Criteria: Invitae Variant Classification Sherloc (09022015). Collection method: clinical testing. Allele origin: germline.
Comment: This sequence change replaces aspartic acid, which is acidic and polar, with glycine, which is neutral and non-polar, at codon 716 of the KIT protein (p.Asp716Gly). This variant is not present in population databases (gnomAD no frequency). This variant has not been reported in the literature in individuals affected with KIT-related conditions. ClinVar contains an entry for this variant (Variation ID: 1006429). An algorithm developed to predict the effect of missense changes on protein structure and function (PolyPhen-2) suggests that this variant is likely to be disruptive. In summary, the available evidence is currently insufficient to determine the role of this variant in disease. Therefore, it has been classified as a Variant of Uncertain Significance.